The following is an entry in ClinVar:

ClinVar aggregate classification (germline): Uncertain significance. Review status: criteria provided, multiple submitters, no conflicts (2 of 4 stars). 2 submissions from 2 submitters: Uncertain significance (2). Last evaluated 2023-06-22.

Conditions:
Inborn genetic diseases. Identifiers: MedGen C0950123, MeSH D030342.

Allele frequency attached by ClinVar (database versions not stated): TOPMed 0.00002; ExAC 0.00003; gnomAD 0.00003; 1000 Genomes Project 0.00020; 1000 Genomes Project 30x 0.00062.
gnomAD v4.1: 13 of 1,595,414 alleles (0.00081%); highest among the groups gnomAD compares: South Asian, 0.0046%; no homozygotes.

Submissions (2):

Labcorp Genetics (formerly Invitae), Labcorp
Classification: Uncertain significance. Last evaluated: 2023-06-22. Review status: criteria provided, single submitter. Criteria: Invitae Variant Classification Sherloc (09022015). Collection method: clinical testing. Allele origin: germline.
Comment: In summary, the available evidence is currently insufficient to determine the role of this variant in disease. Therefore, it has been classified as a Variant of Uncertain Significance. An algorithm developed to predict the effect of missense changes on protein structure and function (PolyPhen-2) suggests that this variant is likely to be disruptive. ClinVar contains an entry for this variant (Variation ID: 2261615). This variant has not been reported in the literature in individuals affected with ALPK1-related conditions. This variant is present in population databases (rs546335367, gnomAD 0.008%). This sequence change replaces aspartic acid, which is acidic and polar, with asparagine, which is neutral and polar, at codon 1177 of the ALPK1 protein (p.Asp1177Asn).

Ambry Genetics
Classification: Uncertain significance for Inborn genetic diseases. Last evaluated: 2021-11-15. Review status: criteria provided, single submitter. Criteria: Ambry Variant Classification Scheme 2023. Collection method: clinical testing. Allele origin: germline.

NM_025144.4(ALPK1):c.3529G>A (p.Asp1177Asn)

Gene: ALPK1 (alpha kinase 1; plus strand). Cytogenetic location: 4q25.
Variant type: single nucleotide variant.
Coding change: c.3529G>A on transcript NM_025144.4 (MANE Select); coding-DNA position 3529, G replaced by A.
Protein change: p.Asp1177Asn; replaces aspartic acid 1177 with asparagine.
Molecular consequence: missense variant.
Genome position (GRCh38, 1-based): chr4:112,439,863, G>A. VCF-style: chr4-112439863-G-A. GRCh37 (hg19) VCF-style: chr4-113361019-G-A.
Other names: c.3529G>A, p.Asp1177Asn (NM_001102406.2); c.3295G>A, p.Asp1099Asn (NM_001253884.2); short protein forms D1177N, D1099N.
Identifiers: ClinVar variation 2261615 (VCV002261615.5), dbSNP rs546335367, ClinGen allele CA3047211.
Genomic context (GRCh38, chr4:112,439,863, plus strand): 5'-TATGGCTTGGCCTATGGCCATTTTTCTTATGAGTTTTCTAATCATAGAGATGTTGTGGTC[G>A]ATTTACAAGGTATGTGAAACTGGGAATTATTTTTATTTTTAATATTATATGTAAATGTGA-3'
Protein context (NP_079420.3, residues 1167-1187): EFSNHRDVVV[Asp1177Asn]LQGWVTGNGK